The following is an entry in ClinVar:

NM_000138.5(FBN1):c.5486dup (p.Ser1830fs)

Gene: FBN1 (fibrillin 1; minus strand). Cytogenetic location: 15q21.1.
Variant type: Duplication.
Coding change: c.5486dup on transcript NM_000138.5 (MANE Select); coding-DNA position 5486, one base duplicated (G; older notation c.5486dupG).
Protein change: p.Ser1830fs; shifts the reading frame from serine 1830.
Molecular consequence: frameshift variant.
Genome position (GRCh38, 1-based): chr15:48,452,621, C duplicated on the plus strand (G on the coding strand, the reverse complement: FBN1 is on the minus strand); the first of 2 consecutive C bases (chr15:48,452,621-48,452,622); duplicating either gives the same sequence. VCF-style (leftmost placement, unchanged base first): chr15-48452620-G-GC. GRCh37 (hg19) VCF-style: chr15-48744817-G-GC.
Other names: c.5486dup, p.Ser1830fs (NM_001406716.1); short protein forms S1830fs.
Identifiers: ClinVar variation 2952703 (VCV002952703.3), dbSNP rs2505470638, ClinGen allele CA2740096640.
Genomic context (GRCh38, chr15:48,452,620, plus strand): 5'-ACCATTGCACTGTCCTGTGGAGGTGAAGCGGTAGCCGGGCTTACAGTCACAGCGGTAGCT[G>GC]CCTGCAGTGTTGATGCATTCGGCGTTGCGCTGGCACACTGGGCCGTTCTGACACTCGTCA-3'

ClinVar aggregate classification (germline): Pathogenic (1 of 4 stars; one submission).

Conditions:
Marfan syndrome (MFS). Also called: MARFAN SYNDROME, TYPE I; Marfan syndrome type 1; Marfan's syndrome; Marfan syndrome, classic; FBN1-Related Marfan Syndrome. Identifiers: Orphanet 284963, Orphanet 558, MedGen C0024796, MONDO:0007947, OMIM 154700.
Familial thoracic aortic aneurysm and aortic dissection (TAAD). Also called: Thoracic aortic aneurysms and dissections. Identifiers: Orphanet 91387, MedGen C4707243, MONDO:0019625.

Submission:

Labcorp Genetics (formerly Invitae), Labcorp
Classification: Pathogenic for Marfan syndrome; Familial thoracic aortic aneurysm and aortic dissection. Last evaluated: 2023-11-17. Review status: criteria provided, single submitter. Criteria: Invitae Variant Classification Sherloc (09022015). Collection method: clinical testing. Allele origin: germline.
Comment: This sequence change creates a premature translational stop signal (p.Ser1830Glnfs*5) in the FBN1 gene. It is expected to result in an absent or disrupted protein product. Loss-of-function variants in FBN1 are known to be pathogenic (PMID: 17657824, 19293843). This variant is not present in population databases (gnomAD no frequency). This variant has not been reported in the literature in individuals affected with FBN1-related conditions. For these reasons, this variant has been classified as Pathogenic.

Literature cited by the submitters: PubMed 17657824; PubMed 19293843.